The following is an entry in ClinVar:

ClinVar aggregate classification (germline): Uncertain significance (1 of 4 stars; one submission).

Conditions:
Primary ciliary dyskinesia. Also called: Ciliary dyskinesia. Identifiers: Orphanet 244, MedGen C0008780, MONDO:0016575, HP:0012265.

Allele frequency attached by ClinVar (database versions not stated): gnomAD exomes below 0.00001; ExAC 0.00001; gnomAD 0.00001; TOPMed 0.00001.
gnomAD v4.1: 8 of 1,614,030 alleles (0.0005%); highest among the groups gnomAD compares: Non-Finnish European, 0.00068%; no homozygotes.

Submission:

Labcorp Genetics (formerly Invitae), Labcorp
Classification: Uncertain significance for Primary ciliary dyskinesia. Last evaluated: 2021-12-25. Review status: criteria provided, single submitter. Criteria: Invitae Variant Classification Sherloc (09022015). Collection method: clinical testing. Allele origin: germline.
Comment: This sequence change replaces glutamic acid, which is acidic and polar, with aspartic acid, which is acidic and polar, at codon 363 of the RSPH4A protein (p.Glu363Asp). This variant is present in population databases (rs758997589, gnomAD 0.0009%). This variant has not been reported in the literature in individuals affected with RSPH4A-related conditions. Algorithms developed to predict the effect of missense changes on protein structure and function (SIFT, PolyPhen-2, Align-GVGD) all suggest that this variant is likely to be tolerated. In summary, the available evidence is currently insufficient to determine the role of this variant in disease. Therefore, it has been classified as a Variant of Uncertain Significance.

NM_001010892.3(RSPH4A):c.1089A>C (p.Glu363Asp)

Gene: RSPH4A (radial spoke head component 4A; plus strand). Cytogenetic location: 6q22.1.
Variant type: single nucleotide variant.
Coding change: c.1089A>C on transcript NM_001010892.3 (MANE Select); coding-DNA position 1089, A replaced by C.
Protein change: p.Glu363Asp; replaces glutamic acid 363 with aspartic acid.
Molecular consequence: missense variant.
Genome position (GRCh38, 1-based): chr6:116,627,796, A>C. VCF-style: chr6-116627796-A-C. GRCh37 (hg19) VCF-style: chr6-116948959-A-C.
Other names: c.1089A>C, p.Glu363Asp (NM_001161664.2); short protein forms E363D.
Identifiers: ClinVar variation 1466669 (VCV001466669.6), dbSNP rs758997589, ClinGen allele CA3970896.
Genomic context (GRCh38, chr6:116,627,796, plus strand): 5'-GCTTACTGATACCCACCCAATCCAAAGATGCCGCTTCTGGGGAAAGATCTTGGGTCTGGA[A>C]ATGAATTATATTGTAGCTGAAGTGGAATTTCGTGAGGGGGAAGATGAAGAGGAAGTGGAA-3'
Protein context (NP_001010892.1, residues 353-373): CRFWGKILGL[Glu363Asp]MNYIVAEVEF